The following is an entry in ClinVar:

ClinVar aggregate classification (germline): Uncertain significance (1 of 4 stars; one submission).

Submission:

CeGaT Center for Human Genetics Tuebingen
Classification: Uncertain significance. Last evaluated: 2025-10-01. Review status: criteria provided, single submitter. Criteria: CeGaT Center For Human Genetics Tuebingen Variant Classification Criteria Version 2. Collection method: clinical testing. Allele origin: germline. Affected: yes. Observed: 1 variant allele.
Comment: TLR3: PM2, BP4

NM_003265.3(TLR3):c.1741G>T (p.Val581Phe)

Gene: TLR3 (toll like receptor 3; plus strand). Cytogenetic location: 4q35.1.
Variant type: single nucleotide variant.
Coding change: c.1741G>T on transcript NM_003265.3 (MANE Select); coding-DNA position 1741, G replaced by T.
Protein change: p.Val581Phe; replaces valine 581 with phenylalanine.
Molecular consequence: missense variant.
Genome position (GRCh38, 1-based): chr4:186,083,427, G>T. VCF-style: chr4-186083427-G-T. GRCh37 (hg19) VCF-style: chr4-187004581-G-T.
Other names: short protein forms V581F.
Identifiers: ClinVar variation 4534969 (VCV004534969.6).